The following is an entry in ClinVar:

ClinVar aggregate classification (germline): Pathogenic/Likely pathogenic. Review status: criteria provided, multiple submitters, no conflicts (2 of 4 stars). 9 submissions from 9 submitters: Pathogenic (5); Likely pathogenic (3). 1 of the submissions does not count toward it. Last evaluated 2025-10-14.

Conditions:
Metachromatic leukodystrophy (MLD). Also called: ARSA DEFICIENCY; CEREBROSIDE SULFATASE DEFICIENCY; METACHROMATIC LEUKOENCEPHALOPATHY; Arylsulfatase A Deficiency; SULFATIDE LIPIDOSIS; Cerebral sclerosis diffuse metachromatic form. Identifiers: Orphanet 512, MedGen C0023522, MONDO:0018868, OMIM 250100.
METACHROMATIC LEUKODYSTROPHY, MILD. Identifiers: MedGen C4017847.

Allele frequency attached by ClinVar (database versions not stated): gnomAD exomes below 0.00001 and 0.00001; ExAC 0.00001; gnomAD 0.00001.
gnomAD v4.1: 10 of 1,613,304 alleles (0.00062%); highest among the groups gnomAD compares: South Asian, 0.0011%; no homozygotes.

Submissions (9):

Natera, Inc.
Classification: Pathogenic for Metachromatic leukodystrophy. Last evaluated: 2025-10-14. Review status: criteria provided, single submitter. Criteria: Natera Variant Classification Schema (03/2026). Collection method: clinical testing. Allele origin: germline.
Comment: The c.1115G>A variant in ARSA is a missense variant predicted to cause substitution of arginine to glutamine at amino acid 372. This variant is rare in the general population with a frequency below the threshold expected for the associated phenotype(s). This variant has been observed in one or more individuals affected with the associated recessive disease, as either homozygous or compound heterozygous with a second variant (PMID: 12086582, 28762252, 36240581). Functional studies show that this variant may disrupt protein function (PMID: 12086582). A different variant at the same position has been determined to be Pathogenic or Likely Pathogenic. Computational prediction algorithms indicate this variant is likely to affect gene or protein function. Given the available evidence, this variant is classified as Pathogenic.

Labcorp Genetics (formerly Invitae), Labcorp
Classification: Pathogenic for Metachromatic leukodystrophy. Last evaluated: 2024-04-20. Review status: criteria provided, single submitter. Criteria: Invitae Variant Classification Sherloc (09022015). Collection method: clinical testing. Allele origin: germline.
Comment: This sequence change replaces arginine, which is basic and polar, with glutamine, which is neutral and polar, at codon 372 of the ARSA protein (p.Arg372Gln). This variant is present in population databases (rs74315477, gnomAD 0.002%). This missense change has been observed in individual(s) with clinical features of metachromatic leukodystrophy (PMID: 7866401, 12086582, 28762252, 31694723, 32617873). This variant is also known as p.Arg370Gln or p.R370Q. ClinVar contains an entry for this variant (Variation ID: 3082). Advanced modeling of protein sequence and biophysical properties (such as structural, functional, and spatial information, amino acid conservation, physicochemical variation, residue mobility, and thermodynamic stability) performed at Invitae indicates that this missense variant is expected to disrupt ARSA protein function with a positive predictive value of 95%. Experimental studies have shown that this missense change affects ARSA function (PMID: 12086582). Algorithms developed to predict the effect of sequence changes on RNA splicing suggest that this variant may disrupt the consensus splice site. This variant disrupts the p.Arg372 amino acid residue in ARSA. Other variant(s) that disrupt this residue have been determined to be pathogenic (PMID: 7825603, 12086582, 16678723, 18786133, 33385934). This suggests that this residue is clinically significant, and that variants that disrupt this residue are likely to be disease-causing. For these reasons, this variant has been classified as Pathogenic.

Fulgent Genetics
Classification: Pathogenic for Metachromatic leukodystrophy. Last evaluated: 2024-03-20. Review status: criteria provided, single submitter. Criteria: ACMG Guidelines, 2015. Collection method: clinical testing. Allele origin: germline.

Women's Health and Genetics/Laboratory Corporation of America, LabCorp
Classification: Pathogenic for Metachromatic leukodystrophy. Last evaluated: 2023-06-14. Review status: criteria provided, single submitter. Criteria: LabCorp Variant Classification Summary - May 2015. Collection method: clinical testing. Allele origin: germline.
Comment: Variant summary: ARSA c.1115G>A (p.Arg372Gln) results in a conservative amino acid change in the encoded protein sequence. Three of four in-silico tools predict a damaging effect of the variant on protein function. The variant allele was found at a frequency of 4e-06 in 250200 control chromosomes. A different amino acid change at the same position (c.1114C>T resulting in p.Arg372Trp) has been classified as pathogenic by our lab. c.1115G>A has been reported in the literature as a homozygous and compound heterozygous genotype in at-least four individuals with infantile or early juvenille form of Metachromatic Leukodystrophy (MLD) (example, Bohringer_2017, Gieselmann_1994, Schestag_2002, Wu_2021, Santhanakumaran_2022) and as a compound heterozygous genotype with a pseudodeficiency allele in at-least two adult individuals reportedly affected with MLD (example, Hettiarachchi_2019) . These data indicate that the variant is likely to be associated with disease. At least one publication reports experimental evidence evaluating an impact on protein function. The most pronounced variant effect results in approximately 24% of normal activity in vitro (example, Schestag_2002). The authors conclude that this variant affects a cleft held together by an intra-molecular salt bridge and retains some residual activity as the smaller glutamine residue still allows the cleft to close, yielding a less severely affected enzyme. The following publications have been ascertained in the context of this evaluation (PMID: 7866401, 31694723, 28762252, 12086582, 32617873, 36240581). Four clinical diagnostic laboratories and the OMIM database have submitted clinical-significance assessments for this variant to ClinVar after 2014 (Likely pathogenic, n=2; Pathogenic, n=3, including OMIM). Based on the evidence outlined above, the variant was classified as pathogenic.

Victorian Clinical Genetics Services, Murdoch Childrens Research Institute
Classification: Pathogenic for Metachromatic leukodystrophy. Last evaluated: 2022-06-24. Review status: criteria provided, single submitter. Criteria: ACMG Guidelines, 2015. Collection method: clinical testing. Allele origin: germline. Inheritance: Autosomal recessive inheritance. Affected: yes.
Comment: Based on the classification scheme VCGS_Germline_v1.3.4, this variant is classified as Pathogenic. Following criteria are met: 0102 - Loss of function is a known mechanism of disease in this gene and is associated with metachromatic leukodystrophy (MIM#250100). (I) 0106 - This gene is associated with autosomal recessive disease. (I) 0200 - Variant is predicted to result in a missense amino acid change from arginine to glutamine. (I) 0251 - This variant is heterozygous. (I) 0304 - Variant is present in gnomAD <0.01 for a recessive condition (v2: 2 heterozygotes, 0 homozygotes). (SP) 0309 - An alternative amino acid change at the same position has been observed in gnomAD (v2: 1 heterozygote, 0 homozygotes). (I) 0501 - Missense variant consistently predicted to be damaging by multiple in silico tools or highly conserved with a major amino acid change. (SP) 0604 - Variant is not located in an established domain, motif, hotspot or informative constraint region. (I) 0703 - Another missense variant comparable to the one identified in this case has moderate previous evidence for pathogenicity. p.(Arg372Trp), also known as p.(Arg370Trp) in older manuscripts, has been reported in at least two homozygote or compound heterozygote individuals with metachromatic leukodystrophy (PMIDs:16678723, 33855715). It is also classified as likely pathogenic/pathogenic by multiple diagnositc laboratories in ClinVar. (SP) 0801 - This variant has strong previous evidence of pathogenicity in unrelated individuals. It has been reported in at least five homozygote or compound heterozygote individuals with metachromatic leukodystrophy; and consistently classified as pathogenic by diagnostic laboratories in ClinVar (PMID: 31694723). This variant is also known as p.(Arg370Gln) in older manuscripts. (I) Legend: (SP) - Supporting pathogenic, (I) - Information, (SB) - Supporting benign

Revvity Omics, Revvity
Classification: Likely pathogenic for Metachromatic leukodystrophy. Last evaluated: 2022-05-30. Review status: criteria provided, single submitter. Criteria: ACMG Guidelines, 2015. Collection method: clinical testing. Allele origin: germline.

Myriad Genetics, Inc.
Classification: Likely pathogenic for Metachromatic leukodystrophy. Last evaluated: 2021-11-11. Review status: criteria provided, single submitter. Criteria: Myriad Women's Health Autosomal Recessive and X-Linked Classification Criteria (2021). Collection method: clinical testing. Allele origin: unknown.
Comment: NM_000487.5(ARSA):c.1115G>A(R372Q) is a missense variant classified as likely pathogenic in the context of metachromatic leukodystrophy. R372Q has been observed in cases with relevant disease (PMID: 31694723, 12086582, 32617873, 28762252). Functional assessments of this variant are available in the literature (PMID: 12086582, 15720392). R372Q has been observed in population frequency databases (gnomAD: NFE 0.01%). In summary, NM_000487.5(ARSA):c.1115G>A(R372Q) is a missense variant that has functional support for pathogenicity and has been observed more frequently in cases with the relevant disease than in healthy populations. Please note: this variant was assessed in the context of healthy population screening.

Kasturba Medical College, Manipal, Kasturba Medical College, Manipal, Manipal Academy of Higher Education, Manipal, India
Classification: Likely pathogenic for Metachromatic leukodystrophy. Review status: criteria provided, single submitter. Criteria: ACMG Guidelines, 2015. Collection method: clinical testing. Allele origin: inherited. Inheritance: Autosomal recessive inheritance. Affected: yes.

OMIM
Classification: Pathogenic for METACHROMATIC LEUKODYSTROPHY, MILD. Last evaluated: 2018-11-07. Review status: no assertion criteria provided. Collection method: literature only. Allele origin: germline. Not counted in ClinVar's aggregate classification.

Literature cited by the submitters: PubMed 12086582 (cited by 4 submitters); PubMed 28762252 (cited by 4 submitters); PubMed 36240581 (cited by Natera, Inc. and Women's Health and Genetics/Laboratory Corporation of America, LabCorp); PubMed 7866401 (cited by Labcorp Genetics (formerly Invitae), Labcorp and Women's Health and Genetics/Laboratory Corporation of America, LabCorp); PubMed 31694723 (cited by 4 submitters); PubMed 32617873 (cited by 3 submitters); PubMed 7825603 (cited by Labcorp Genetics (formerly Invitae), Labcorp); PubMed 16678723 (cited by Labcorp Genetics (formerly Invitae), Labcorp and Victorian Clinical Genetics Services, Murdoch Childrens Research Institute); PubMed 18786133 (cited by Labcorp Genetics (formerly Invitae), Labcorp); PubMed 33385934 (cited by Labcorp Genetics (formerly Invitae), Labcorp); PubMed 33855715 (cited by Victorian Clinical Genetics Services, Murdoch Childrens Research Institute); PubMed 15720392 (cited by Myriad Genetics, Inc.); PubMed 1671769 (cited by OMIM).

NM_000487.6(ARSA):c.1115G>A (p.Arg372Gln)

Gene: ARSA (arylsulfatase A; minus strand). Cytogenetic location: 22q13.33.
Variant type: single nucleotide variant.
Coding change: c.1115G>A on transcript NM_000487.6 (MANE Select); coding-DNA position 1115, G replaced by A.
Protein change: p.Arg372Gln; replaces arginine 372 with glutamine.
Molecular consequence: missense variant.
Genome position (GRCh38, 1-based): chr22:50,625,674, C>T on the plus strand (G>A on the coding strand, the complement: ARSA is on the minus strand). VCF-style: chr22-50625674-C-T. GRCh37 (hg19) VCF-style: chr22-51064102-C-T.
Other names: R370Q; c.1115G>A, p.Arg372Gln (NM_001085425.3, NM_001085426.3, NM_001085427.3); c.857G>A, p.Arg286Gln (NM_001085428.3, NM_001362782.2); short protein forms R372Q, R286Q.
Identifiers: ClinVar variation 3082 (VCV000003082.27), dbSNP rs74315477, ClinGen allele CA115993.